The following is an entry in ClinVar:

ClinVar aggregate classification (germline): Uncertain significance (1 of 4 stars; one submission).

Allele frequency attached by ClinVar (database versions not stated): gnomAD exomes below 0.00001 and 0.00002; gnomAD 0.00004 and 0.00005; TOPMed 0.00007.
gnomAD v4.1: 12 of 1,613,808 alleles (0.00074%); highest among the groups gnomAD compares: African/African-American, 0.016%; no homozygotes.

Submission:

Labcorp Genetics (formerly Invitae), Labcorp
Classification: Uncertain significance. Last evaluated: 2022-07-06. Review status: criteria provided, single submitter. Criteria: Invitae Variant Classification Sherloc (09022015). Collection method: clinical testing. Allele origin: germline.
Comment: In summary, the available evidence is currently insufficient to determine the role of this variant in disease. Therefore, it has been classified as a Variant of Uncertain Significance. Algorithms developed to predict the effect of missense changes on protein structure and function are either unavailable or do not agree on the potential impact of this missense change (SIFT: "Not Available"; PolyPhen-2: "Probably Damaging"; Align-GVGD: "Not Available"). ClinVar contains an entry for this variant (Variation ID: 1392819). This variant has not been reported in the literature in individuals affected with SEC24D-related conditions. This variant is present in population databases (no rsID available, gnomAD 0.02%). This sequence change replaces glycine, which is neutral and non-polar, with alanine, which is neutral and non-polar, at codon 1012 of the SEC24D protein (p.Gly1012Ala).

NM_014822.4(SEC24D):c.3035G>C (p.Gly1012Ala)

Gene: SEC24D (SEC24 homolog D, COPII coat complex component; minus strand). Cytogenetic location: 4q26.
Variant type: single nucleotide variant.
Coding change: c.3035G>C on transcript NM_014822.4 (MANE Select); coding-DNA position 3035, G replaced by C.
Protein change: p.Gly1012Ala; replaces glycine 1012 with alanine.
Molecular consequence: missense variant.
Genome position (GRCh38, 1-based): chr4:118,723,579, C>G on the plus strand (G>C on the coding strand, the complement: SEC24D is on the minus strand). VCF-style: chr4-118723579-C-G. GRCh37 (hg19) VCF-style: chr4-119644734-C-G.
Other names: c.3038G>C, p.Gly1013Ala (NM_001318066.2); short protein forms G1012A, G1013A.
Identifiers: ClinVar variation 1392819 (VCV001392819.6), dbSNP rs972376639, ClinGen allele CA104638569.
Genomic context (GRCh38, chr4:118,723,579, plus strand): 5'-TTAAGCAGCTGACAGATCTCCTTGTGAACACAACAAAGGAAATCCACATAAGAAGAGCCT[C>G]CGTAAAGTCCTTTGTCTTCTACCAGGAACTGTCGGAAAACCATTTCTGGTTGTTCTCGCT-3'
Protein context (NP_055637.2, residues 1002-1022): QFLVEDKGLY[Gly1012Ala]GSSYVDFLCC